The following is an entry in ClinVar:

ClinVar aggregate classification (germline): Uncertain significance (1 of 4 stars; one submission).

Conditions:
PHGDH deficiency. Identifiers: Orphanet 79351, MedGen C1866174, MONDO:0011152, OMIM 601815.

Allele frequency attached by ClinVar (database versions not stated): gnomAD exomes below 0.00001; gnomAD 0.00001.
gnomAD v4.1: 5 of 1,613,692 alleles (0.00031%); highest among the groups gnomAD compares: Admixed American, 0.0033%; no homozygotes.

Submission:

Labcorp Genetics (formerly Invitae), Labcorp
Classification: Uncertain significance for PHGDH deficiency. Last evaluated: 2022-03-04. Review status: criteria provided, single submitter. Criteria: Invitae Variant Classification Sherloc (09022015). Collection method: clinical testing. Allele origin: germline.
Comment: This sequence change replaces leucine, which is neutral and non-polar, with phenylalanine, which is neutral and non-polar, at codon 104 of the PHGDH protein (p.Leu104Phe). This variant is present in population databases (no rsID available, gnomAD 0.1%). This variant has not been reported in the literature in individuals affected with PHGDH-related conditions. Algorithms developed to predict the effect of missense changes on protein structure and function are either unavailable or do not agree on the potential impact of this missense change (SIFT: "Tolerated"; PolyPhen-2: "Probably Damaging"; Align-GVGD: "Class C0"). In summary, the available evidence is currently insufficient to determine the role of this variant in disease. Therefore, it has been classified as a Variant of Uncertain Significance.

NM_006623.4(PHGDH):c.310C>T (p.Leu104Phe)

Gene: PHGDH (phosphoglycerate dehydrogenase; plus strand). Cytogenetic location: 1p12.
Variant type: single nucleotide variant.
Coding change: c.310C>T on transcript NM_006623.4 (MANE Select); coding-DNA position 310, C replaced by T.
Protein change: p.Leu104Phe; replaces leucine 104 with phenylalanine.
Molecular consequence: missense variant.
Genome position (GRCh38, 1-based): chr1:119,723,395, C>T. VCF-style: chr1-119723395-C-T. GRCh37 (hg19) VCF-style: chr1-120266018-C-T.
Other names: short protein forms L104F.
Identifiers: ClinVar variation 1942791 (VCV001942791.2), dbSNP rs1343309375, ClinGen allele CA341847414.
Genomic context (GRCh38, chr1:119,723,395, plus strand): 5'-GGTCTGTGCCCATTGATGTCCCCCTTTTCTTTGATCTTTAGCACCCCCAATGGGAACAGC[C>T]TCAGTGCCGCAGAACTCACTTGTGGAATGATCATGTGCCTGGCCAGGTAAGTCCCTGACT-3'
Protein context (NP_006614.2, residues 94-114): LVMNTPNGNS[Leu104Phe]SAAELTCGMI